The following is an entry in ClinVar:

ClinVar aggregate classification (germline): Likely benign. Review status: reviewed by expert panel (3 of 4 stars). 2 submissions from 2 submitters: Likely benign (1). 1 of the submissions does not count toward it. Last evaluated 2024-06-24.

Conditions:
Hereditary thrombocytopenia and hematological cancer predisposition syndrome associated with RUNX1. Also called: RUNX1 Familial Platelet Disorder with Associated Myeloid Malignancies; Familial Platelet Disorder with Propensity to Acute Myelogenous Leukemia; PLATELET DISORDER, ASPIRIN-LIKE; Familial thrombocytopenia with propensity to acute myelogenous leukemia. Identifiers: Orphanet 71290, MedGen C1832388, MeSH C563324, MONDO:0100083, OMIM 601399.
Hereditary thrombocytopenia and hematologic cancer predisposition syndrome. Identifiers: Orphanet 71290, MedGen CN281654, MONDO:0011071.

Allele frequency attached by ClinVar (database versions not stated): gnomAD exomes below 0.00001; TOPMed below 0.00001.
gnomAD v4.1: 2 of 1,576,168 alleles (0.00013%); highest among the groups gnomAD compares: Admixed American, 0.0018%; no homozygotes.

Submissions (2):

ClinGen Myeloid Malignancy Variant Curation Expert Panel
Classification: Likely benign for Hereditary thrombocytopenia and hematologic cancer predisposition syndrome. Last evaluated: 2024-06-24. Review status: reviewed by expert panel. Criteria: ClinGen MyeloMalig ACMG Specifications v2. Collection method: curation. Allele origin: germline. Inheritance: Autosomal dominant inheritance.
Comment: NM_001754.5(RUNX1):c.968-10C>T is an intronic variant which is not predicted to impact splicing. This variant has a SpliceAI score ≤ 0.20 (0.00) (BP4). Evolutionary conservation prediction algorithms predict the site as not being conserved (PhyloP score 0.22 < 2.0) (BP7). In summary, this variant meets criteria to be classified as likely benign. ACMG/AMP criteria applied, as specified by the Myeloid Malignancy Variant Curation Expert Panel for RUNX1: BP4, BP7.

Labcorp Genetics (formerly Invitae), Labcorp
Classification: Likely benign for Hereditary thrombocytopenia and hematological cancer predisposition syndrome associated with RUNX1. Last evaluated: 2025-08-08. Review status: criteria provided, single submitter. Criteria: Invitae Variant Classification Sherloc (09022015). Collection method: clinical testing. Allele origin: germline. Not counted in ClinVar's aggregate classification.

NM_001754.5(RUNX1):c.968-10C>T

Gene: RUNX1 (RUNX family transcription factor 1; minus strand). Cytogenetic location: 21q22.12.
Variant type: single nucleotide variant.
Coding change: c.968-10C>T on transcript NM_001754.5 (MANE Select); 10 bases into the intron before coding-DNA position 968, C replaced by T.
Molecular consequence: intron variant.
Genome position (GRCh38, 1-based): chr21:34,792,620, G>A on the plus strand (C>T on the coding strand, the complement: RUNX1 is on the minus strand). VCF-style: chr21-34792620-G-A. GRCh37 (hg19) VCF-style: chr21-36164917-G-A.
Other names: c.887-10C>T (NM_001001890.3).
Identifiers: ClinVar variation 704938 (VCV000704938.9), dbSNP rs1476636108, ClinGen allele CA638053819.
Genomic context (GRCh38, chr21:34,792,620, plus strand): 5'-GCAGCGCGGGGAACTGGCGCGGGTCGCTGAACGCTGTCAGGTCGGGTGCCGCTGCAGGGC[G>A]GGCAAGAGAACGGAGCGGAAGTGAGTAGGAGGTTGCGGAGGCCACAGCTCTTCCCTCTGC-3'